The following is an entry in ClinVar:

ClinVar aggregate classification (germline): Uncertain significance (0 of 4 stars; one submission).

Conditions:
PLXNA1-related disorder. Also called: PLXNA1-related condition.

Allele frequency attached by ClinVar (database versions not stated): ExAC 0.00001; gnomAD exomes 0.00001; gnomAD 0.00003; TOPMed 0.00003; ESP Exome Variant Server 0.00008.
gnomAD v4.1: 17 of 1,606,290 alleles (0.0011%); highest among the groups gnomAD compares: African/African-American, 0.0013%; no homozygotes.

Submission:

PreventionGenetics, part of Exact Sciences
Classification: Uncertain significance for PLXNA1-related condition. Last evaluated: 2024-01-17. Review status: no assertion criteria provided. Collection method: clinical testing. Allele origin: germline.
Comment: The PLXNA1 c.1889G>A variant is predicted to result in the amino acid substitution p.Arg630Gln. To our knowledge, this variant has not been reported in the literature. This variant is reported in 0.0034% of alleles in individuals of South Asian descent in gnomAD. At this time, the clinical significance of this variant is uncertain due to the absence of conclusive functional and genetic evidence.

NM_032242.4(PLXNA1):c.1889G>A (p.Arg630Gln)

Gene: PLXNA1 (plexin A1; plus strand). Cytogenetic location: 3q21.3.
Variant type: single nucleotide variant.
Coding change: c.1889G>A on transcript NM_032242.4 (MANE Select); coding-DNA position 1889, G replaced by A.
Protein change: p.Arg630Gln; replaces arginine 630 with glutamine.
Molecular consequence: missense variant.
Genome position (GRCh38, 1-based): chr3:127,005,235, G>A. VCF-style: chr3-127005235-G-A. GRCh37 (hg19) VCF-style: chr3-126724078-G-A.
Other names: short protein forms R630Q.
Identifiers: ClinVar variation 3054322 (VCV003054322.2), dbSNP rs370707852, ClinGen allele CA2593396.